The following is an entry in ClinVar:

NM_006180.6(NTRK2):c.500C>A (p.Ser167Tyr)

Gene: NTRK2 (neurotrophic receptor tyrosine kinase 2; plus strand). Cytogenetic location: 9q21.33.
Variant type: single nucleotide variant.
Coding change: c.500C>A on transcript NM_006180.6 (MANE Select); coding-DNA position 500, C replaced by A.
Protein change: p.Ser167Tyr; replaces serine 167 with tyrosine.
Molecular consequence: missense variant.
Genome position (GRCh38, 1-based): chr9:84,710,708, C>A. VCF-style: chr9-84710708-C-A. GRCh37 (hg19) VCF-style: chr9-87325623-C-A.
Other names: c.500C>A, p.Ser167Tyr (NM_001007097.3, NM_001018064.3, NM_001018065.2 and 18 more transcripts); c.32C>A, p.Ser11Tyr (NM_001369535.1, NM_001369550.1, NM_001369551.1 and 2 more transcripts); c.500C>A (NM_006180.3); short protein forms S11Y, S167Y.
Identifiers: ClinVar variation 1148855 (VCV001148855.43), dbSNP rs76950094, ClinGen allele CA5105517.

ClinVar aggregate classification (germline): Likely benign. Review status: criteria provided, multiple submitters, no conflicts (2 of 4 stars). 7 submissions from 7 submitters: Likely benign (6). 1 of the submissions does not count toward it. Last evaluated 2026-02-02.

Conditions:
Inborn genetic diseases. Identifiers: MedGen C0950123, MeSH D030342.
Developmental and epileptic encephalopathy, 58. Also called: EPILEPTIC ENCEPHALOPATHY, EARLY INFANTILE, 58. Identifiers: MedGen C4693367, MONDO:0033367, OMIM 617830.
Obesity, hyperphagia, and developmental delay (OBHD). Identifiers: Orphanet 99704, MedGen C3151303, MONDO:0013483, OMIM 613886.
NTRK2-related disorder. Also called: NTRK2-related condition.

Allele frequency attached by ClinVar (database versions not stated): 1000 Genomes Project 0.00020; 1000 Genomes Project 30x 0.00047; ExAC 0.00096; gnomAD exomes 0.00096 and 0.00157; TOPMed 0.00107; gnomAD 0.00130 and 0.00131; ESP Exome Variant Server 0.00169.
gnomAD v4.1: 2,472 of 1,614,132 alleles (0.15%); highest among the groups gnomAD compares: Non-Finnish European, 0.19%; 3 homozygotes.

Submissions (7):

Labcorp Genetics (formerly Invitae), Labcorp
Classification: Likely benign. Last evaluated: 2026-02-02. Review status: criteria provided, single submitter. Criteria: Invitae Variant Classification Sherloc (09022015). Collection method: clinical testing. Allele origin: germline.

CeGaT Center for Human Genetics Tuebingen
Classification: Likely benign. Last evaluated: 2026-01-01. Review status: criteria provided, single submitter. Criteria: CeGaT Center For Human Genetics Tuebingen Variant Classification Criteria Version 2. Collection method: clinical testing. Allele origin: germline. Affected: yes. Observed: 16 variant alleles.
Comment: NTRK2: PP2, BP4, BS1

Blueprint Genetics
Classification: Likely benign. Last evaluated: 2024-11-22. Review status: criteria provided, single submitter. Criteria: ACMG Guidelines, 2015. Collection method: clinical testing. Allele origin: germline.

Ambry Genetics
Classification: Likely benign for Inborn genetic diseases. Last evaluated: 2022-02-28. Review status: criteria provided, single submitter. Criteria: Ambry Variant Classification Scheme 2023. Collection method: clinical testing. Allele origin: germline.

Fulgent Genetics
Classification: Likely benign for Obesity, hyperphagia, and developmental delay; Developmental and epileptic encephalopathy, 58. Last evaluated: 2021-10-19. Review status: criteria provided, single submitter. Criteria: ACMG Guidelines, 2015. Collection method: clinical testing. Allele origin: unknown.

Genetic Services Laboratory, University of Chicago
Classification: Likely benign. Last evaluated: 2020-07-29. Review status: criteria provided, single submitter. Criteria: ACMG Guidelines, 2015. Collection method: clinical testing. Allele origin: germline. Affected: no.

PreventionGenetics, part of Exact Sciences
Classification: Likely benign for NTRK2-related condition. Last evaluated: 2022-02-04. Review status: no assertion criteria provided. Collection method: clinical testing. Allele origin: germline. Not counted in ClinVar's aggregate classification.
Comment: This variant is classified as likely benign based on ACMG/AMP sequence variant interpretation guidelines (Richards et al. 2015 PMID: 25741868, with internal and published modifications).